The following is an entry in ClinVar:

NM_032816.5(CEP89):c.1528G>A (p.Val510Met)

Gene: CEP89 (centrosomal protein 89; minus strand). Cytogenetic location: 19q13.11.
Variant type: single nucleotide variant.
Coding change: c.1528G>A on transcript NM_032816.5 (MANE Select); coding-DNA position 1528, G replaced by A.
Protein change: p.Val510Met; replaces valine 510 with methionine.
Molecular consequence: missense variant.
Genome position (GRCh38, 1-based): chr19:32,915,374, C>T on the plus strand (G>A on the coding strand, the complement: CEP89 is on the minus strand). VCF-style: chr19-32915374-C-T. GRCh37 (hg19) VCF-style: chr19-33406280-C-T.
Other names: c.1528G>A (NM_032816.3); short protein forms V510M.
Identifiers: ClinVar variation 3705235 (VCV003705235.3).

ClinVar aggregate classification (germline): Conflicting classifications of pathogenicity. Review status: criteria provided, conflicting classifications (1 of 4 stars). 2 submissions from 2 submitters: Uncertain significance (1); Likely benign (1). Last evaluated 2025-06-17.

gnomAD v4.1: 19 of 1,610,638 alleles (0.0012%); highest among the groups gnomAD compares: Middle Eastern, 0.066%; no homozygotes.

Submissions (2):

Ambry Genetics
Classification: Likely benign. Last evaluated: 2025-06-17. Review status: criteria provided, single submitter. Criteria: Ambry Variant Classification Scheme 2023. Collection method: clinical testing. Allele origin: germline.

Labcorp Genetics (formerly Invitae), Labcorp
Classification: Uncertain significance. Last evaluated: 2024-03-09. Review status: criteria provided, single submitter. Criteria: Invitae Variant Classification Sherloc (09022015). Collection method: clinical testing. Allele origin: germline.
Comment: This sequence change replaces valine, which is neutral and non-polar, with methionine, which is neutral and non-polar, at codon 510 of the CEP89 protein (p.Val510Met). This variant is present in population databases (rs778868993, gnomAD 0.003%). This variant has not been reported in the literature in individuals affected with CEP89-related conditions. Algorithms developed to predict the effect of missense changes on protein structure and function output the following: SIFT: "Not Available"; PolyPhen-2: "Benign"; Align-GVGD: "Not Available". The methionine amino acid residue is found in multiple mammalian species, which suggests that this missense change does not adversely affect protein function. In summary, the available evidence is currently insufficient to determine the role of this variant in disease. Therefore, it has been classified as a Variant of Uncertain Significance.